The following is an entry in ClinVar:

ClinVar aggregate classification (germline): Uncertain significance (1 of 4 stars; one submission).

Conditions:
Dilated cardiomyopathy 1DD (CMD1DD). Identifiers: Orphanet 154, MedGen C2750995, MONDO:0013168, OMIM 613172.

Submission:

Labcorp Genetics (formerly Invitae), Labcorp
Classification: Uncertain significance for Dilated cardiomyopathy 1DD. Last evaluated: 2024-05-06. Review status: criteria provided, single submitter. Criteria: Invitae Variant Classification Sherloc (09022015). Collection method: clinical testing. Allele origin: germline.
Comment: This sequence change falls in intron 6 of the RBM20 gene. It does not directly change the encoded amino acid sequence of the RBM20 protein. It affects a nucleotide within the consensus splice site. This variant is not present in population databases (gnomAD no frequency). This variant has not been reported in the literature in individuals affected with RBM20-related conditions. Variants that disrupt the consensus splice site are a relatively common cause of aberrant splicing (PMID: 17576681, 9536098). Algorithms developed to predict the effect of sequence changes on RNA splicing suggest that this variant is not likely to affect RNA splicing. In summary, the available evidence is currently insufficient to determine the role of this variant in disease. Therefore, it has been classified as a Variant of Uncertain Significance.

Literature cited by the submitters: PubMed 17576681; PubMed 9536098.

NM_001134363.3(RBM20):c.1668+4G>A

Gene: RBM20 (RNA binding motif protein 20; plus strand). Cytogenetic location: 10q25.2.
Variant type: single nucleotide variant.
Coding change: c.1668+4G>A on transcript NM_001134363.3 (MANE Select); 4 bases into the intron after coding-DNA position 1668, G replaced by A.
Molecular consequence: intron variant.
Genome position (GRCh38, 1-based): chr10:110,797,652, G>A. VCF-style: chr10-110797652-G-A. GRCh37 (hg19) VCF-style: chr10-112557410-G-A.
Identifiers: ClinVar variation 3717488 (VCV003717488.2).
Genomic context (GRCh38, chr10:110,797,652, plus strand): 5'-CTGGGGCTGCCCTTTGGAAAGGTCACTAATTACATCCTCATGAAGTCGACTAATCAGGTA[G>A]GTCTGGGTACTTTCACTCCAGTGTATATGCCACAGACCACACATTAGTGAAAGGGAACGA-3'